The following is an entry in ClinVar:

NM_001609.4(ACADSB):c.*2331C>G

Gene: ACADSB (acyl-CoA dehydrogenase short/branched chain; plus strand). Cytogenetic location: 10q26.13.
Variant type: single nucleotide variant.
Coding change: c.*2331C>G on transcript NM_001609.4 (MANE Select); 2331 bases downstream of the stop codon, C replaced by G.
Molecular consequence: 3 prime UTR variant.
Genome position (GRCh38, 1-based): chr10:123,056,096, C>G. VCF-style: chr10-123056096-C-G. GRCh37 (hg19) VCF-style: chr10-124815612-C-G.
Other names: c.*2331C>G (NM_001330174.3).
Identifiers: ClinVar variation 299132 (VCV000299132.6), dbSNP rs7079265, ClinGen allele CA10635147.

ClinVar aggregate classification (germline): Benign. Review status: criteria provided, multiple submitters, no conflicts (2 of 4 stars). 2 submissions from 2 submitters: Benign (2). Last evaluated 2018-01-12.

Conditions:
Deficiency of 2-methylbutyryl-CoA dehydrogenase (ACADSB). Also called: 2-methylbutyryl-CoA dehydrogenase deficiency; SBCAD deficiency; 2-methylbutyric aciduria; Short branched-chain acyl-CoA dehydrogenase deficiency; 2-methylbutyrylglycinuria. Identifiers: Orphanet 79157, MedGen C1864912, MONDO:0012392, OMIM 610006, HP:0020147.

Allele frequency attached by ClinVar (database versions not stated): gnomAD exomes 0.16853; TOPMed 0.19339; 1000 Genomes Project 30x 0.19753; 1000 Genomes Project 0.19808; gnomAD 0.20119 and 0.20347.
gnomAD v4.1: 31,773 of 156,830 alleles (20%); highest among the groups gnomAD compares: South Asian, 28%; 3,505 homozygotes.

Submissions (2):

Illumina Laboratory Services, Illumina
Classification: Benign for Deficiency of 2-methylbutyryl-CoA dehydrogenase. Last evaluated: 2018-01-12. Review status: criteria provided, single submitter. Criteria: ICSL Variant Classification Criteria 13 December 2019. Collection method: clinical testing. Allele origin: germline.
Comment: This variant was observed in the ICSL laboratory as part of a predisposition screen in an ostensibly healthy population. It had not been previously curated by ICSL or reported in the Human Gene Mutation Database (HGMD: prior to June 1st, 2018), and was therefore a candidate for classification through an automated scoring system. Utilizing variant allele frequency, disease prevalence and penetrance estimates, and inheritance mode, an automated score was calculated to assess if this variant is too frequent to cause the disease. Based on the score and internal cut-off values, a variant classified as benign is not then subjected to further curation. The score for this variant resulted in a classification of benign for this disease.

Breakthrough Genomics
Classification: Benign. Review status: criteria provided, single submitter. Criteria: ACMG Guidelines, 2015. Collection method: not provided. Allele origin: germline. Inheritance: Autosomal recessive inheritance. Affected: yes.